The following is an entry in ClinVar:

NM_145038.5(DRC1):c.990C>T (p.Ser330=)

Gene: DRC1 (dynein regulatory complex subunit 1; plus strand). Cytogenetic location: 2p23.3.
Variant type: single nucleotide variant.
Coding change: c.990C>T on transcript NM_145038.5 (MANE Select); coding-DNA position 990, C replaced by T.
Protein change: p.Ser330=; no amino-acid change (serine 330 retained).
Molecular consequence: synonymous variant.
Genome position (GRCh38, 1-based): chr2:26,440,479, C>T. VCF-style: chr2-26440479-C-T. GRCh37 (hg19) VCF-style: chr2-26663347-C-T.
Other names: c.990C>T (NM_145038.4).
Identifiers: ClinVar variation 414297 (VCV000414297.15), dbSNP rs149344139, ClinGen allele CA1562100.
Genomic context (GRCh38, chr2:26,440,479, plus strand): 5'-GCTAAACCAAGAGAAATTAGAGTACAACTTGCAGGTGCTGAAGAAGAGAGATGAAGAAAG[C>T]ACAGTAATTAAATCCCAGCAGAAGAGGAAGATCAATCGGTAAGCTAGCATGCAGAGCGTC-3'
Protein context (NP_659475.2, residues 320-340): LQVLKKRDEE[Ser330=]TVIKSQQKRK

ClinVar aggregate classification (germline): Likely benign. Review status: criteria provided, multiple submitters, no conflicts (2 of 4 stars). 3 submissions from 3 submitters: Likely benign (2). 1 of the submissions does not count toward it. Last evaluated 2026-01-05.

Conditions:
DRC1-related disorder. Also called: DRC1-related condition.
Primary ciliary dyskinesia. Also called: Ciliary dyskinesia. Identifiers: Orphanet 244, MedGen C0008780, MONDO:0016575, HP:0012265.

Allele frequency attached by ClinVar (database versions not stated): ESP Exome Variant Server 0.00023; gnomAD 0.00023 and 0.00024; TOPMed 0.00028; gnomAD exomes 0.00032 and 0.00036; ExAC 0.00036.
gnomAD v4.1: 562 of 1,612,610 alleles (0.035%); highest among the groups gnomAD compares: Non-Finnish European, 0.044%; no homozygotes.

Submissions (3):

Labcorp Genetics (formerly Invitae), Labcorp
Classification: Likely benign for Primary ciliary dyskinesia. Last evaluated: 2026-01-05. Review status: criteria provided, single submitter. Criteria: Invitae Variant Classification Sherloc (09022015). Collection method: clinical testing. Allele origin: germline.

Blueprint Genetics
Classification: Likely benign. Last evaluated: 2024-10-02. Review status: criteria provided, single submitter. Criteria: ACMG Guidelines, 2015. Collection method: clinical testing. Allele origin: germline.

PreventionGenetics, part of Exact Sciences
Classification: Likely benign for DRC1-related condition. Last evaluated: 2019-04-15. Review status: no assertion criteria provided. Collection method: clinical testing. Allele origin: germline. Not counted in ClinVar's aggregate classification.
Comment: This variant is classified as likely benign based on ACMG/AMP sequence variant interpretation guidelines (Richards et al. 2015 PMID: 25741868, with internal and published modifications).